The following is an entry in ClinVar:

ClinVar aggregate classification (germline): Likely pathogenic (1 of 4 stars; one submission).

Conditions:
Peroxisome biogenesis disorder. Identifiers: Orphanet 79189, MedGen C1832200, MONDO:0019234. Disease mechanism: loss of function.

Submission:

Myriad Genetics, Inc.
Classification: Likely pathogenic for Peroxisome biogenesis disorder. Last evaluated: 2022-03-15. Review status: criteria provided, single submitter. Criteria: Myriad Autosomal Dominant, Autosomal Recessive and X-Linked Classification Criteria (2023). Collection method: clinical testing. Allele origin: unknown.
Comment: NM_000466.2(PEX1):c.659C>A(S220*) is expected to be pathogenic in the context of peroxisome biogenesis disorder type 1. This variant is predicted to lead to an abnormal or absent protein product due to the creation of a premature termination codon in PEX1, a gene where loss-of-function variants are known to be pathogenic. Please note: this variant was assessed in the context of healthy population screening.

NM_000466.3(PEX1):c.659C>A (p.Ser220Ter)

Gene: PEX1 (peroxisomal biogenesis factor 1; minus strand). Cytogenetic location: 7q21.2.
Variant type: single nucleotide variant.
Coding change: c.659C>A on transcript NM_000466.3 (MANE Select); coding-DNA position 659, C replaced by A.
Protein change: p.Ser220Ter; replaces serine 220 with a stop codon.
Molecular consequence: nonsense.
Genome position (GRCh38, 1-based): chr7:92,517,856, G>T on the plus strand (C>A on the coding strand, the complement: PEX1 is on the minus strand). VCF-style: chr7-92517856-G-T. GRCh37 (hg19) VCF-style: chr7-92147170-G-T.
Other names: c.659C>A, p.Ser220Ter (NM_001282677.2); c.35C>A, p.Ser12Ter (NM_001282678.2); short protein forms S12*, S220*.
Identifiers: ClinVar variation 1725981 (VCV001725981.3), dbSNP rs759048090, ClinGen allele CA368200648.